The following is an entry in ClinVar:

ClinVar aggregate classification (germline): Uncertain significance (1 of 4 stars; one submission).

Conditions:
Familial sleep-related hypermotor epilepsy. Also called: Autosomal Dominant Sleep-Related Hypermotor (Hyperkinetic) Epilepsy. Identifiers: Orphanet 98784, MedGen C3696898, MONDO:0000030.

Submission:

Labcorp Genetics (formerly Invitae), Labcorp
Classification: Uncertain significance. Last evaluated: 2024-01-17. Review status: criteria provided, single submitter. Criteria: Invitae Variant Classification Sherloc (09022015). Collection method: clinical testing. Allele origin: germline.
Comment: This sequence change replaces threonine, which is neutral and polar, with isoleucine, which is neutral and non-polar, at codon 304 of the CHRNB2 protein (p.Thr304Ile). This variant is not present in population databases (gnomAD no frequency). This variant has not been reported in the literature in individuals affected with CHRNB2-related conditions. Advanced modeling of protein sequence and biophysical properties (such as structural, functional, and spatial information, amino acid conservation, physicochemical variation, residue mobility, and thermodynamic stability) performed at Invitae indicates that this missense variant is not expected to disrupt CHRNB2 protein function with a negative predictive value of 80%. In summary, the available evidence is currently insufficient to determine the role of this variant in disease. Therefore, it has been classified as a Variant of Uncertain Significance.

NM_000748.3(CHRNB2):c.911C>T (p.Thr304Ile)

Gene: CHRNB2 (cholinergic receptor nicotinic beta 2 subunit; plus strand). Cytogenetic location: 1q21.3.
Variant type: single nucleotide variant.
Coding change: c.911C>T on transcript NM_000748.3 (MANE Select); coding-DNA position 911, C replaced by T.
Protein change: p.Thr304Ile; replaces threonine 304 with isoleucine.
Molecular consequence: missense variant.
Genome position (GRCh38, 1-based): chr1:154,571,734, C>T. VCF-style: chr1-154571734-C-T. GRCh37 (hg19) VCF-style: chr1-154544210-C-T.
Other names: short protein forms T304I.
Identifiers: ClinVar variation 2883096 (VCV002883096.3), dbSNP rs2526370662, ClinGen allele CA342631095.